The following is an entry in ClinVar:

ClinVar aggregate classification (germline): Uncertain significance (1 of 4 stars; one submission).

Allele frequency attached by ClinVar (database versions not stated): ExAC 0.00001; gnomAD exomes below 0.00001.
gnomAD v4.1: 4 of 1,613,984 alleles (0.00025%); highest among the groups gnomAD compares: South Asian, 0.0022%; no homozygotes.

Submission:

Labcorp Genetics (formerly Invitae), Labcorp
Classification: Uncertain significance. Last evaluated: 2021-07-14. Review status: criteria provided, single submitter. Criteria: Invitae Variant Classification Sherloc (09022015). Collection method: clinical testing. Allele origin: germline.
Comment: This sequence change replaces tyrosine with histidine at codon 2458 of the CDH23 protein (p.Tyr2458His). The tyrosine residue is highly conserved and there is a moderate physicochemical difference between tyrosine and histidine. This variant is present in population databases (rs774644634, ExAC 0.006%). This variant has not been reported in the literature in individuals affected with CDH23-related conditions. Algorithms developed to predict the effect of missense changes on protein structure and function are either unavailable or do not agree on the potential impact of this missense change (SIFT: "Deleterious"; PolyPhen-2: "Not Available"; Align-GVGD: "Class C0"). In summary, the available evidence is currently insufficient to determine the role of this variant in disease. Therefore, it has been classified as a Variant of Uncertain Significance.

NM_022124.6(CDH23):c.7372T>C (p.Tyr2458His)

Gene: CDH23 (cadherin related 23; plus strand). Cytogenetic location: 10q22.1.
Variant type: single nucleotide variant.
Coding change: c.7372T>C on transcript NM_022124.6 (MANE Select); coding-DNA position 7372, T replaced by C.
Protein change: p.Tyr2458His; replaces tyrosine 2458 with histidine.
Molecular consequence: missense variant.
Genome position (GRCh38, 1-based): chr10:71,800,645, T>C. VCF-style: chr10-71800645-T-C. GRCh37 (hg19) VCF-style: chr10-73560402-T-C.
Other names: c.652T>C, p.Tyr218His (NM_001171933.1, NM_001171934.1); short protein forms Y218H, Y2458H.
Identifiers: ClinVar variation 1436412 (VCV001436412.8), dbSNP rs774644634, ClinGen allele CA5546330.
Genomic context (GRCh38, chr10:71,800,645, plus strand): 5'-TAAATATCTTTTGAATGATTGAAGGACCTAAAGCCACCCTCCCCCTACTAGGGTGACATC[T>C]ATGTGCTGTCTTCTCTGGACCGGGAGAAGAAGGACCACTATATCCTGACTGCCTTGGCCA-3'
Protein context (NP_071407.4, residues 2448-2468): FAINPTTGDI[Tyr2458His]VLSSLDREKK